The following is an entry in ClinVar:

ClinVar aggregate classification (germline): Pathogenic (1 of 4 stars; one submission).

Submission:

Labcorp Genetics (formerly Invitae), Labcorp
Classification: Pathogenic. Last evaluated: 2023-03-14. Review status: criteria provided, single submitter. Criteria: Invitae Variant Classification Sherloc (09022015). Collection method: clinical testing. Allele origin: germline.
Comment: For these reasons, this variant has been classified as Pathogenic. This variant has not been reported in the literature in individuals affected with CC2D1A-related conditions. This variant is present in population databases (rs761500258, gnomAD 0.0009%). This sequence change creates a premature translational stop signal (p.Pro236Glnfs*65) in the CC2D1A gene. It is expected to result in an absent or disrupted protein product. Loss-of-function variants in CC2D1A are known to be pathogenic (PMID: 16033914).

Literature cited by the submitters: PubMed 16033914.

NM_017721.5(CC2D1A):c.707del (p.Pro236fs)

Gene: CC2D1A (coiled-coil and C2 domain containing 1A; plus strand). Cytogenetic location: 19p13.12.
Variant type: Deletion.
Coding change: c.707del on transcript NM_017721.5 (MANE Select); coding-DNA position 707, one base deleted (C; older notation c.707delC).
Protein change: p.Pro236fs; shifts the reading frame from proline 236.
Molecular consequence: frameshift variant.
Genome position (GRCh38, 1-based): chr19:13,913,597, C deleted; the last of 4 consecutive C bases (chr19:13,913,594-13,913,597); deleting any one gives the same sequence. VCF-style (leftmost placement, unchanged base first): chr19-13913593-GC-G. GRCh37 (hg19) VCF-style: chr19-14024406-GC-G.
Other names: c.707del, p.Pro236fs (NM_001411138.1); short protein forms P236fs.
Identifiers: ClinVar variation 2845607 (VCV002845607.3), dbSNP rs761500258, ClinGen allele CA9244386.